The following is an entry in ClinVar:

NM_001379270.1(CNGA1):c.1471T>C (p.Leu491=)

Genes: CNGA1 (cyclic nucleotide gated channel subunit alpha 1; minus strand), LOC101927157 (uncharacterized LOC101927157; plus strand). Cytogenetic location: 4p12.
Variant type: single nucleotide variant.
Coding change: c.1471T>C on transcript NM_001379270.1 (MANE Select); coding-DNA position 1471, T replaced by C.
Protein change: p.Leu491=; no amino-acid change (leucine 491 retained).
Molecular consequence: synonymous variant.
Genome position (GRCh38, 1-based): chr4:47,937,011, A>G on the plus strand (T>C on the coding strand, the complement: CNGA1 is on the minus strand). VCF-style: chr4-47937011-A-G. GRCh37 (hg19) VCF-style: chr4-47939028-A-G.
Other names: c.1471T>C, p.Leu491= (NM_000087.5, NM_001142564.2); c.1483T>C (NM_000087.3).
Identifiers: ClinVar variation 1959564 (VCV001959564.6), dbSNP rs746381231, ClinGen allele CA2911070.
Genomic context (GRCh38, chr4:47,937,011, plus strand): 5'-CTCGTCCGATATCCCCTTTCTTGCAAATATAATCTCCAGGACTGTAGACTTGGGGTTGCA[A>G]TTTCAAGACCAACTCCACCAACAGACCAGCTTCACAATCAGCAAAAATGCGTACCTTTTT-3'
Protein context (NP_001366199.1, residues 481-501): AGLLVELVLK[Leu491=]QPQVYSPGDY

ClinVar aggregate classification (germline): Likely benign. Review status: criteria provided, multiple submitters, no conflicts (2 of 4 stars). 2 submissions from 2 submitters: Likely benign (2). Last evaluated 2025-08-28.

Conditions:
CNGA1-related disorder. Also called: CNGA1-related condition.

Allele frequency attached by ClinVar (database versions not stated): ExAC 0.00001; gnomAD 0.00001; gnomAD exomes 0.00001; TOPMed 0.00002.
gnomAD v4.1: 10 of 1,613,960 alleles (0.00062%); highest among the groups gnomAD compares: East Asian, 0.0067%; no homozygotes.

Submissions (2):

PreventionGenetics, part of Exact Sciences
Classification: Likely benign for CNGA1-related condition. Last evaluated: 2025-08-28. Review status: criteria provided, single submitter. Criteria: ACMG Guidelines, 2015. Collection method: clinical testing. Allele origin: germline.
Comment: This variant is classified as likely benign based on ACMG/AMP sequence variant interpretation guidelines (Richards et al. 2015 PMID: 25741868, with internal and published modifications).

Labcorp Genetics (formerly Invitae), Labcorp
Classification: Likely benign. Last evaluated: 2022-10-04. Review status: criteria provided, single submitter. Criteria: Invitae Variant Classification Sherloc (09022015). Collection method: clinical testing. Allele origin: germline.